The following is an entry in ClinVar:

NM_145200.5(CABP4):c.366+10G>C

Gene: CABP4 (calcium binding protein 4; plus strand). Cytogenetic location: 11q13.2.
Variant type: single nucleotide variant.
Coding change: c.366+10G>C on transcript NM_145200.5 (MANE Select); 10 bases into the intron after coding-DNA position 366, G replaced by C.
Molecular consequence: intron variant.
Genome position (GRCh38, 1-based): chr11:67,455,799, G>C. VCF-style: chr11-67455799-G-C. GRCh37 (hg19) VCF-style: chr11-67223270-G-C.
Other names: c.-32+10G>C (NM_001379183.1, NM_001300896.3); c.-18+10G>C (NM_001300895.3).
Identifiers: ClinVar variation 2130470 (VCV002130470.4), dbSNP rs1335331111, ClinGen allele CA2580084630.

ClinVar aggregate classification (germline): Uncertain significance (1 of 4 stars; one submission).

Allele frequency attached by ClinVar (database versions not stated): gnomAD exomes below 0.00001.

Submission:

Labcorp Genetics (formerly Invitae), Labcorp
Classification: Uncertain significance. Last evaluated: 2022-04-25. Review status: criteria provided, single submitter. Criteria: Invitae Variant Classification Sherloc (09022015). Collection method: clinical testing. Allele origin: germline.
Comment: In summary, the available evidence is currently insufficient to determine the role of this variant in disease. Therefore, it has been classified as a Variant of Uncertain Significance. Algorithms developed to predict the effect of sequence changes on RNA splicing suggest that this variant may disrupt the consensus splice site. This variant has not been reported in the literature in individuals affected with CABP4-related conditions. This variant is not present in population databases (gnomAD no frequency). This sequence change falls in intron 1 of the CABP4 gene. It does not directly change the encoded amino acid sequence of the CABP4 protein.